The following is an entry in ClinVar:

ClinVar aggregate classification (germline): Uncertain significance (1 of 4 stars; one submission).

Submission:

CeGaT Center for Human Genetics Tuebingen
Classification: Uncertain significance. Last evaluated: 2023-09-01. Review status: criteria provided, single submitter. Criteria: CeGaT Center For Human Genetics Tuebingen Variant Classification Criteria Version 2. Collection method: clinical testing. Allele origin: germline. Affected: yes. Observed: 1 variant allele.
Comment: CCN6: PM2, BP4

NM_198239.2(CCN6):c.6G>C (p.Gln2His)

Gene: CCN6 (cellular communication network factor 6; plus strand). Cytogenetic location: 6q21.
Variant type: single nucleotide variant.
Coding change: c.6G>C on transcript NM_198239.2 (MANE Select); coding-DNA position 6, G replaced by C.
Protein change: p.Gln2His; replaces glutamine 2 with histidine.
Molecular consequence: missense variant. On other transcripts: non-coding transcript variant (2).
Genome position (GRCh38, 1-based): chr6:112,054,363, G>C. VCF-style: chr6-112054363-G-C. GRCh37 (hg19) VCF-style: chr6-112375566-G-C.
Other names: c.6G>C, p.Gln2His (NM_003880.4); short protein forms Q2H.
Identifiers: ClinVar variation 2583041 (VCV002583041.25), dbSNP rs2546914019, ClinGen allele CA365364924.